The following is an entry in ClinVar:

ClinVar aggregate classification (germline): Uncertain significance. Review status: criteria provided, multiple submitters, no conflicts (2 of 4 stars). 2 submissions from 2 submitters: Uncertain significance (2). Last evaluated 2024-09-29.

Allele frequency attached by ClinVar (database versions not stated): gnomAD exomes 0.00001.
gnomAD v4.1: 10 of 1,614,228 alleles (0.00062%); highest among the groups gnomAD compares: Non-Finnish European, 0.00085%; no homozygotes.

Submissions (2):

Labcorp Genetics (formerly Invitae), Labcorp
Classification: Uncertain significance. Last evaluated: 2024-09-29. Review status: criteria provided, single submitter. Criteria: Invitae Variant Classification Sherloc (09022015). Collection method: clinical testing. Allele origin: germline.
Comment: This sequence change replaces glutamic acid, which is acidic and polar, with aspartic acid, which is acidic and polar, at codon 151 of the PRPF6 protein (p.Glu151Asp). This variant is not present in population databases (gnomAD no frequency). This missense change has been observed in individual(s) with clinical features of retinitis pigmentosa (internal data). ClinVar contains an entry for this variant (Variation ID: 1945864). Invitae Evidence Modeling of protein sequence and biophysical properties (such as structural, functional, and spatial information, amino acid conservation, physicochemical variation, residue mobility, and thermodynamic stability) indicates that this missense variant is not expected to disrupt PRPF6 protein function with a negative predictive value of 80%. In summary, the available evidence is currently insufficient to determine the role of this variant in disease. Therefore, it has been classified as a Variant of Uncertain Significance.

Blueprint Genetics
Classification: Uncertain significance. Last evaluated: 2023-06-30. Review status: criteria provided, single submitter. Criteria: ACMG Guidelines, 2015. Collection method: clinical testing. Allele origin: germline.

NM_012469.4(PRPF6):c.453A>C (p.Glu151Asp)

Gene: PRPF6 (pre-mRNA processing factor 6; plus strand). Cytogenetic location: 20q13.33.
Variant type: single nucleotide variant.
Coding change: c.453A>C on transcript NM_012469.4 (MANE Select); coding-DNA position 453, A replaced by C.
Protein change: p.Glu151Asp; replaces glutamic acid 151 with aspartic acid.
Molecular consequence: missense variant.
Genome position (GRCh38, 1-based): chr20:63,994,930, A>C. VCF-style: chr20-63994930-A-C. GRCh37 (hg19) VCF-style: chr20-62626283-A-C.
Other names: short protein forms E151D.
Identifiers: ClinVar variation 1945864 (VCV001945864.6), dbSNP rs2517617301, ClinGen allele CA409715329.